The following is an entry in ClinVar:

NM_001367624.2(ZNF469):c.6757C>T (p.Pro2253Ser)

Gene: ZNF469 (zinc finger protein 469; plus strand). Cytogenetic location: 16q24.2.
Variant type: single nucleotide variant.
Coding change: c.6757C>T on transcript NM_001367624.2 (MANE Select); coding-DNA position 6757, C replaced by T.
Protein change: p.Pro2253Ser; replaces proline 2253 with serine.
Molecular consequence: missense variant.
Genome position (GRCh38, 1-based): chr16:88,434,227, C>T. VCF-style: chr16-88434227-C-T. GRCh37 (hg19) VCF-style: chr16-88500635-C-T.
Other names: NM_001127464.1:c.6673C>T; short protein forms P2253S.
Identifiers: ClinVar variation 5032199 (VCV005032199.1).
Genomic context (GRCh38, chr16:88,434,227, plus strand): 5'-GTCAGTGCTGTAACCTGCACTCACAGTGGGGACACCCCCAAAGACAGCACTTTAAGAATT[C>T]CAGAGGATTCCAGAAAAGAGAAGCTGTGGGAGTCTCCTGGCCGAGCCACCTCTCCTCCTC-3'
Protein context (NP_001354553.1, residues 2243-2263): DTPKDSTLRI[Pro2253Ser]EDSRKEKLWE

ClinVar aggregate classification (germline): Uncertain significance (1 of 4 stars; one submission).

Conditions:
Cardiovascular phenotype. Identifiers: MedGen CN230736.

Submission:

Ambry Genetics
Classification: Uncertain significance for Cardiovascular phenotype. Last evaluated: 2026-06-15. Review status: criteria provided, single submitter. Criteria: Ambry Variant Classification Scheme 2023. Collection method: clinical testing. Allele origin: germline.
Comment: The p.P2225S variant (also known as c.6673C>T), located in coding exon 2 of the ZNF469 gene, results from a C to T substitution at nucleotide position 6673. The proline at codon 2225 is replaced by serine, an amino acid with similar properties. This amino acid position is conserved. In addition, this alteration is predicted to be tolerated by in silico analysis. Based on the available evidence, the clinical significance of this variant remains unclear.